The following is an entry in ClinVar:

NM_001135998.3(NDUFB11):c.356G>A (p.Arg119His)

Gene: NDUFB11 (NADH:ubiquinone oxidoreductase subunit B11; minus strand). Cytogenetic location: Xp11.3.
Variant type: single nucleotide variant.
Coding change: c.356G>A on transcript NM_001135998.3 (MANE Select); coding-DNA position 356, G replaced by A.
Protein change: p.Arg119His; replaces arginine 119 with histidine.
Molecular consequence: missense variant.
Genome position (GRCh38, 1-based): chrX:47,142,423, C>T on the plus strand (G>A on the coding strand, the complement: NDUFB11 is on the minus strand). VCF-style: chrX-47142423-C-T. GRCh37 (hg19) VCF-style: chrX-47001822-C-T.
Other names: c.386G>A, p.Arg129His (NM_019056.7); short protein forms R119H, R129H.
Identifiers: ClinVar variation 3299056 (VCV003299056.2).

ClinVar aggregate classification (germline): Uncertain significance. Review status: criteria provided, multiple submitters, no conflicts (2 of 4 stars). 2 submissions from 2 submitters: Uncertain significance (2). Last evaluated 2025-08-01.

Conditions:
Inborn genetic diseases. Identifiers: MedGen C0950123, MeSH D030342.

gnomAD v4.1: 10 of 1,209,896 alleles (0.00083%); highest among the groups gnomAD compares: East Asian, 0.0059%; no homozygotes.

Submissions (2):

Labcorp Genetics (formerly Invitae), Labcorp
Classification: Uncertain significance. Last evaluated: 2025-08-01. Review status: criteria provided, single submitter. Criteria: Invitae Variant Classification Sherloc (09022015). Collection method: clinical testing. Allele origin: germline.
Comment: This sequence change replaces arginine, which is basic and polar, with histidine, which is basic and polar, at codon 129 of the NDUFB11 protein (p.Arg129His). This variant is present in population databases (rs782460503, gnomAD 0.008%). This variant has not been reported in the literature in individuals affected with NDUFB11-related conditions. ClinVar contains an entry for this variant (Variation ID: 3299056). An algorithm developed to predict the effect of missense changes on protein structure and function (PolyPhen-2) suggests that this variant is likely to be disruptive. In summary, the available evidence is currently insufficient to determine the role of this variant in disease. Therefore, it has been classified as a Variant of Uncertain Significance.

Ambry Genetics
Classification: Uncertain significance for Inborn genetic diseases. Last evaluated: 2024-04-08. Review status: criteria provided, single submitter. Criteria: Ambry Variant Classification Scheme 2023. Collection method: clinical testing. Allele origin: germline.